The following is an entry in ClinVar:

NM_032833.5(PPP1R15B):c.840G>C (p.Gln280His)

Gene: PPP1R15B (protein phosphatase 1 regulatory subunit 15B; minus strand). Cytogenetic location: 1q32.1.
Variant type: single nucleotide variant.
Coding change: c.840G>C on transcript NM_032833.5 (MANE Select); coding-DNA position 840, G replaced by C.
Protein change: p.Gln280His; replaces glutamine 280 with histidine.
Molecular consequence: missense variant.
Genome position (GRCh38, 1-based): chr1:204,410,572, C>G on the plus strand (G>C on the coding strand, the complement: PPP1R15B is on the minus strand). VCF-style: chr1-204410572-C-G. GRCh37 (hg19) VCF-style: chr1-204379700-C-G.
Other names: short protein forms Q280H.
Identifiers: ClinVar variation 2026149 (VCV002026149.4), dbSNP rs1276498077, ClinGen allele CA344353973.

ClinVar aggregate classification (germline): Uncertain significance (1 of 4 stars; one submission).

Allele frequency attached by ClinVar (database versions not stated): gnomAD exomes below 0.00001.
gnomAD v4.1: 1 of 1,613,950 alleles (0.000062%); highest among the groups gnomAD compares: Admixed American, 0.0017%; no homozygotes.

Submission:

Labcorp Genetics (formerly Invitae), Labcorp
Classification: Uncertain significance. Last evaluated: 2024-12-02. Review status: criteria provided, single submitter. Criteria: Invitae Variant Classification Sherloc (09022015). Collection method: clinical testing. Allele origin: germline.
Comment: This sequence change replaces glutamine, which is neutral and polar, with histidine, which is basic and polar, at codon 280 of the PPP1R15B protein (p.Gln280His). This variant is present in population databases (no rsID available, gnomAD no frequency). This variant has not been reported in the literature in individuals affected with PPP1R15B-related conditions. ClinVar contains an entry for this variant (Variation ID: 2026149). Invitae Evidence Modeling of protein sequence and biophysical properties (such as structural, functional, and spatial information, amino acid conservation, physicochemical variation, residue mobility, and thermodynamic stability) has been performed for this missense variant. However, the output from this modeling did not meet the statistical confidence thresholds required to predict the impact of this variant on PPP1R15B protein function. In summary, the available evidence is currently insufficient to determine the role of this variant in disease. Therefore, it has been classified as a Variant of Uncertain Significance.